The following is an entry in ClinVar:

NM_006831.3(CLP1):c.650T>C (p.Val217Ala)

Gene: CLP1 (cleavage factor polyribonucleotide kinase subunit 1; plus strand). Cytogenetic location: 11q12.1.
Variant type: single nucleotide variant.
Coding change: c.650T>C on transcript NM_006831.3 (MANE Select); coding-DNA position 650, T replaced by C.
Protein change: p.Val217Ala; replaces valine 217 with alanine.
Molecular consequence: missense variant.
Genome position (GRCh38, 1-based): chr11:57,660,808, T>C. VCF-style: chr11-57660808-T-C. GRCh37 (hg19) VCF-style: chr11-57428280-T-C.
Other names: c.458T>C, p.Val153Ala (NM_001142597.2); short protein forms V217A, V153A.
Identifiers: ClinVar variation 508038 (VCV000508038.20), dbSNP rs147951568, ClinGen allele CA6008564.
Genomic context (GRCh38, chr11:57,660,808, plus strand): 5'-GATCCTCTCTTTTGCAGATTACATCTCGTTTAGCAGATGTGTTCAACCAAAGGTGTGAGG[T>C]GAACCGAAGGGCATCTGTGAGTGGCTGTGTCATTAACACCTGTGGCTGGGTCAAGGGCTC-3'
Protein context (NP_006822.1, residues 207-227): LADVFNQRCE[Val217Ala]NRRASVSGCV

ClinVar aggregate classification (germline): Benign/Likely benign. Review status: criteria provided, multiple submitters, no conflicts (2 of 4 stars). 4 submissions from 4 submitters: Benign (1); Likely benign (3). Last evaluated 2026-01-28.

Allele frequency attached by ClinVar (database versions not stated): ESP Exome Variant Server 0.00169; gnomAD exomes 0.00254 and 0.00315; ExAC 0.00277; gnomAD 0.00291 and 0.00303; 1000 Genomes Project 30x 0.00297; 1000 Genomes Project 0.00300; TOPMed 0.00137.
gnomAD v4.1: 4,118 of 1,610,348 alleles (0.26%); highest among the groups gnomAD compares: Admixed American, 0.24%; 21 homozygotes.

Submissions (4):

Labcorp Genetics (formerly Invitae), Labcorp
Classification: Benign. Last evaluated: 2026-01-28. Review status: criteria provided, single submitter. Criteria: Invitae Variant Classification Sherloc (09022015). Collection method: clinical testing. Allele origin: germline.

CeGaT Center for Human Genetics Tuebingen
Classification: Likely benign. Last evaluated: 2025-03-01. Review status: criteria provided, single submitter. Criteria: CeGaT Center For Human Genetics Tuebingen Variant Classification Criteria Version 2. Collection method: clinical testing. Allele origin: germline. Affected: yes. Observed: 1 variant allele.
Comment: CLP1: PP2, BS2

GeneDx
Classification: Likely benign. Last evaluated: 2017-03-21. Review status: criteria provided, single submitter. Criteria: GeneDx Variant Classification (06012015). Collection method: clinical testing. Allele origin: germline. Affected: yes.
Comment: This variant is considered likely benign or benign based on one or more of the following criteria: it is a conservative change, it occurs at a poorly conserved position in the protein, it is predicted to be benign by multiple in silico algorithms, and/or has population frequency not consistent with disease.

Breakthrough Genomics
Classification: Likely benign. Review status: criteria provided, single submitter. Criteria: ACMG Guidelines, 2015. Collection method: not provided. Allele origin: germline. Inheritance: Autosomal recessive inheritance. Affected: yes.